The following is an entry in ClinVar:

NM_004006.3(DMD):c.1603-2A>G

Gene: DMD (dystrophin; minus strand). Cytogenetic location: Xp21.1.
Variant type: single nucleotide variant.
Coding change: c.1603-2A>G on transcript NM_004006.3 (MANE Select); the canonical splice acceptor site of the intron before coding-DNA position 1603, A replaced by G.
Molecular consequence: splice acceptor variant.
Genome position (GRCh38, 1-based): chrX:32,573,848, T>C on the plus strand (A>G on the coding strand, the complement: DMD is on the minus strand). VCF-style: chrX-32573848-T-C. GRCh37 (hg19) VCF-style: chrX-32591965-T-C.
Other names: c.1579-2A>G (NM_000109.4); c.1591-2A>G (NM_004009.3); c.1234-2A>G (NM_004010.3).
Identifiers: ClinVar variation 1454799 (VCV001454799.8), dbSNP rs773779441, ClinGen allele CA412673557.

ClinVar aggregate classification (germline): Pathogenic (1 of 4 stars; one submission).

Conditions:
Duchenne muscular dystrophy (DMD). Also called: Duchenne Muscular Dystrophy (DMD); MUSCULAR DYSTROPHY, PSEUDOHYPERTROPHIC PROGRESSIVE, DUCHENNE TYPE. Identifiers: Orphanet 98896, MedGen C0013264, MONDO:0010679, OMIM 310200.

Submission:

Labcorp Genetics (formerly Invitae), Labcorp
Classification: Pathogenic for Duchenne muscular dystrophy. Last evaluated: 2020-12-10. Review status: criteria provided, single submitter. Criteria: Invitae Variant Classification Sherloc (09022015). Collection method: clinical testing. Allele origin: germline.
Comment: This variant is not present in population databases (ExAC no frequency). This sequence change affects an acceptor splice site in intron 13 of the DMD gene. RNA analysis indicates that disruption of this splice site induces altered splicing and likely results in a shortened protein product. Disruption of this splice site has been observed in individual(s) with dilated cardiomyopathy and Becker muscular dystrophy (PMID: 21851881, 16077730). For these reasons, this variant has been classified as Pathogenic. Studies have shown that disruption of this splice site is associated with skipping of exons 14 and 15 but is expected to preserve the integrity of the reading frame (PMID: 16077730).

Literature cited by the submitters: PubMed 21851881; PubMed 16077730.